The following is an entry in ClinVar:

NM_000459.5(TEK):c.2744G>A (p.Arg915His)

Gene: TEK (TEK receptor tyrosine kinase; plus strand). Cytogenetic location: 9p21.2.
Variant type: single nucleotide variant.
Coding change: c.2744G>A on transcript NM_000459.5 (MANE Select); coding-DNA position 2744, G replaced by A.
Protein change: p.Arg915His; replaces arginine 915 with histidine.
Molecular consequence: missense variant.
Genome position (GRCh38, 1-based): chr9:27,212,764, G>A. VCF-style: chr9-27212764-G-A. GRCh37 (hg19) VCF-style: chr9-27212762-G-A.
Other names: c.2615G>A, p.Arg872His (NM_001290077.2); c.2300G>A, p.Arg767His (NM_001290078.2); c.2741G>A, p.Arg914His (NM_001375475.1); c.2612G>A, p.Arg871His (NM_001375476.1); short protein forms R915H, R767H, R872H, R871H, R914H.
Identifiers: ClinVar variation 30054 (VCV000030054.6), dbSNP rs387906745, ClinGen allele CA259743.
Genomic context (GRCh38, chr9:27,212,764, plus strand): 5'-CAGGCTACTTGTACCTGGCCATTGAGTACGCGCCCCATGGAAACCTTCTGGACTTCCTTC[G>A]CAAGAGCCGTGTGCTGGAGACGGACCCAGCATTTGCCATTGCCAATAGCACCGCGTCCAC-3'
Protein context (NP_000450.3, residues 905-925): APHGNLLDFL[Arg915His]KSRVLETDPA

ClinVar aggregate classification (germline): Pathogenic/Likely pathogenic. Review status: criteria provided, multiple submitters, no conflicts (2 of 4 stars). 5 submissions from 5 submitters: Pathogenic (1); Likely pathogenic (3). 1 of the submissions does not count toward it. Last evaluated 2026-04-10.

Conditions:
Vascular malformation. Also called: Vascular malformations. Identifiers: MedGen C0158570, MONDO:0024291.
Vascular skin disorders.
Multiple cutaneous and mucosal venous malformations (VMCM). Also called: TEK-Related Multiple Cutaneous and Mucosal Venous Malformations (VMCM). Identifiers: Orphanet 2451, MedGen C1838437, MONDO:0010842, OMIM 600195.

Allele frequency attached by ClinVar (database versions not stated): gnomAD exomes below 0.00001.
gnomAD v4.1: 2 of 1,614,010 alleles (0.00012%); highest among the groups gnomAD compares: Non-Finnish European, 0.000085%; no homozygotes.

Submissions (5):

Clinical Genomics Laboratory, Washington University in St. Louis
Classification: Likely pathogenic for Vascular malformation. Last evaluated: 2026-04-10. Review status: criteria provided, single submitter. Criteria: Leon-Quintero et al. (Clin Genet. 2025). Collection method: clinical testing. Allele origin: somatic. Affected: yes.
Comment: A TEK c.2744G>A (p.Arg915His) variant was identified at an allelic fraction consistent with somatic origin. This variant has been reported in the literature in a germline state in four individuals with vascular malformations and segregated with disease in one family (Wouters V et al., PMID: 19888299; Parker JC et al., PMID: 33502802). This variant is observed on 2/1,614,010 alleles in the general population (gnomAD v4.1.1). It resides within a region, the intracellular tyrosine kinase domain, of TIE2/TEK that is defined as a critical functional domain (Du Z et al., PMID: 28818232). Other variants in the same codon, c.2743C>T (p.R915C) and c.2744G>T (p.R915L), have been reported in individuals with vascular malformations and are considered pathogenic (Natynki M et al., PMID:26319232; Soblet J et al., PMID: 27519652; Ye C et al., PMID: 21962923; Saharinen P et al., PMID:28529319; ClinVar Variation ID: 981227). Computational predictors indicate that the variant is damaging, evidence that correlates with impact on TIE2/TEK function. Based on available information and an internally developed protocol informed by the ACMG/AMP guidelines for variant interpretation and gene-specific practices from the ClinGen Criteria Specification Registry (Leon-Quintero FZ et al., PMID: 39434542), the TEK c.2744G>A (p.Arg915His) variant is classified as likely pathogenic.

Genetics Laboratory, Great Ormond Street Hospital NHS Foundation Trust, North Thames Genomic Laboratory Hub
Classification: Likely pathogenic for Vascular skin disorders. Last evaluated: 2025-11-28. Review status: criteria provided, single submitter. Criteria: ACGS Best Practice Guidelines for Variant Classification in Rare Disease 2024 v1.2. Collection method: clinical testing. Allele origin: germline. Affected: yes.
Comment: PS4_moderate, PM2_moderate, PP3_supporting, PM5_supporting, PS3_supporting, PP4_supporting

GeneDx
Classification: Likely pathogenic. Last evaluated: 2025-08-06. Review status: criteria provided, single submitter. Criteria: GeneDx Variant Classification Process June 2021. Collection method: clinical testing. Allele origin: germline. Affected: yes.
Comment: Observed in a family with cutaneomucosal venous malformations and ventricular septal defect in published literature (PMID: 19888299); Not observed at significant frequency in large population cohorts (gnomAD); In silico analysis supports that this missense variant has a deleterious effect on protein structure/function; This variant is associated with the following publications: (PMID: 38583142, 19888299, 29555671, 33502802)

Seattle Children's Hospital Molecular Genetics Laboratory, Seattle Children's Hospital
Classification: Pathogenic. Last evaluated: 2021-10-07. Review status: criteria provided, single submitter. Criteria: ACMG Guidelines, 2015. Collection method: clinical testing. Allele origin: somatic. Affected: yes.
Comment: This variant has been previously reported in individuals with sporadically occurring venous malformations (PMID: 19888299 and others).

OMIM
Classification: Pathogenic for VENOUS MALFORMATIONS, MULTIPLE CUTANEOUS AND MUCOSAL. Last evaluated: 2010-04-01. Review status: no assertion criteria provided. Collection method: literature only. Allele origin: germline. Not counted in ClinVar's aggregate classification.

Literature cited by the submitters: PubMed 19888299 (cited by OMIM).